The following is an entry in ClinVar:

ClinVar aggregate classification (germline): Likely benign. Review status: criteria provided, multiple submitters, no conflicts (2 of 4 stars). 2 submissions from 2 submitters: Likely benign (2). Last evaluated 2025-12-23.

Conditions:
Spastic paraplegia. Identifiers: MedGen C0037772, HP:0001258.
CYP7B1-related disorder. Also called: CYP7B1-related condition.

Submissions (2):

Labcorp Genetics (formerly Invitae), Labcorp
Classification: Likely benign for Spastic paraplegia. Last evaluated: 2025-12-23. Review status: criteria provided, single submitter. Criteria: Invitae Variant Classification Sherloc (09022015). Collection method: clinical testing. Allele origin: germline.

PreventionGenetics, part of Exact Sciences
Classification: Likely benign for CYP7B1-related condition. Last evaluated: 2025-11-16. Review status: criteria provided, single submitter. Criteria: ACMG Guidelines, 2015. Collection method: clinical testing. Allele origin: germline.
Comment: This variant is classified as likely benign based on ACMG/AMP sequence variant interpretation guidelines (Richards et al. 2015 PMID: 25741868, with internal and published modifications).

NM_004820.5(CYP7B1):c.260-22CT[3]

Gene: CYP7B1 (cytochrome P450 family 7 subfamily B member 1; minus strand). Cytogenetic location: 8q12.3.
Variant type: Microsatellite.
Coding change: c.260-22CT[3] on transcript NM_004820.5 (MANE Select); three copies in a row of the 2-base unit CT starting at c.260-22; the reference has four copies in a row; one copy, 2 bases deleted.
Molecular consequence: intron variant.
Genome position (GRCh38, 1-based): chr8:64,616,296-64,616,297, AG deleted on the plus strand (CT on the coding strand, the reverse complement: CYP7B1 is on the minus strand); deleting any 2 consecutive bases within chr8:64,616,296-64,616,304 gives the same sequence; the position shown is the placement nearest the transcript's 3' end. VCF-style (leftmost placement, unchanged base first): chr8-64616295-AAG-A. GRCh37 (hg19) VCF-style: chr8-65528852-AAG-A.
Other names: c.260-22CT[3] (NM_001324112.2); c.260-16_260-15delCT (NM_004820.4).
Identifiers: ClinVar variation 1899863 (VCV001899863.6), dbSNP rs768562143, ClinGen allele CA4764247.